The following is an entry in ClinVar:

ClinVar aggregate classification (germline): Likely benign (1 of 4 stars; one submission).

Conditions:
Juvenile polyposis syndrome (JPS). Identifiers: Orphanet 2929, MedGen C0345893, MONDO:0017380, OMIM 174900.

gnomAD v4.1: 2 of 1,613,958 alleles (0.00012%); highest among the groups gnomAD compares: South Asian, 0.0022%; no homozygotes.

Submission:

Myriad Genetics, Inc.
Classification: Likely benign for Juvenile polyposis syndrome. Last evaluated: 2024-08-02. Review status: criteria provided, single submitter. Criteria: Myriad Autosomal Dominant, Autosomal Recessive and X-Linked Classification Criteria (2023). Collection method: clinical testing. Allele origin: unknown.
Comment: This variant is considered likely benign. This variant is intronic and is not expected to impact mRNA splicing.

NM_004329.3(BMPR1A):c.675+9A>G

Gene: BMPR1A (bone morphogenetic protein receptor type 1A; plus strand). Cytogenetic location: 10q23.2.
Variant type: single nucleotide variant.
Coding change: c.675+9A>G on transcript NM_004329.3 (MANE Select); 9 bases into the intron after coding-DNA position 675, A replaced by G.
Molecular consequence: intron variant.
Genome position (GRCh38, 1-based): chr10:86,912,393, A>G. VCF-style: chr10-86912393-A-G. GRCh37 (hg19) VCF-style: chr10-88672150-A-G.
Other names: c.675+9A>G (NM_001406562.1, NM_001406568.1, NM_001406567.1 and 20 more transcripts); c.591+9A>G (NM_001406584.1, NM_001406588.1, NM_001406587.1 and 2 more transcripts); c.723+9A>G (NM_001406560.1); c.750+9A>G (NM_001406559.1); c.334-4741A>G (NM_001406589.1).
Identifiers: ClinVar variation 3379332 (VCV003379332.1).